The following is an entry in ClinVar:

ClinVar aggregate classification (germline): Pathogenic/Likely pathogenic. Review status: criteria provided, multiple submitters, no conflicts (2 of 4 stars). 5 submissions from 5 submitters: Pathogenic (1); Likely pathogenic (4). Last evaluated 2025-09-28.

Conditions:
Familial cancer of breast. Also called: BREAST CANCER, FAMILIAL; Hereditary breast cancer; hereditary breast carcinoma. Identifiers: Orphanet 227535, MedGen C0346153, MONDO:0016419, OMIM 114480. Disease mechanism: loss of function.
Hereditary cancer-predisposing syndrome. Also called: Neoplastic Syndromes, Hereditary; Tumor predisposition; Hereditary Cancer Syndrome; Hereditary neoplastic syndrome. Identifiers: Orphanet 140162, MedGen C0027672, MeSH D009386, MONDO:0015356.
Malignant tumor of breast. Also called: Malignant breast neoplasm; Cancer breast. Identifiers: MedGen C0006142, MONDO:0007254. Disease mechanism: loss of function.

Allele frequency attached by ClinVar (database versions not stated): TOPMed 0.00001; gnomAD 0.00002 and 0.00003.
gnomAD v4.1: 3 of 1,614,086 alleles (0.00019%); highest among the groups gnomAD compares: African/African-American, 0.004%; no homozygotes.

Submissions (5):

Labcorp Genetics (formerly Invitae), Labcorp
Classification: Likely pathogenic for Familial cancer of breast. Last evaluated: 2025-09-28. Review status: criteria provided, single submitter. Criteria: Invitae Variant Classification Sherloc (09022015). Collection method: clinical testing. Allele origin: germline.
Comment: This sequence change creates a premature translational stop signal (p.Glu748*) in the BARD1 gene. While this is not anticipated to result in nonsense mediated decay, it is expected to disrupt the last 30 amino acid(s) of the BARD1 protein. This variant is not present in population databases (gnomAD no frequency). This variant has not been reported in the literature in individuals affected with BARD1-related conditions. ClinVar contains an entry for this variant (Variation ID: 820952). This variant disrupts the C-terminal BRCT domain of BARD1 protein, which is required for chromosome stability and homology-directed repair (PMID: 17848578). A different variant (p.Val767fs) that lies downstream of this variant has been reported to affect BARD1 protein function (PMID: 30925164), this suggests that disruption of this region of the protein is causative of disease. In summary, the currently available evidence indicates that the variant is pathogenic, but additional data are needed to prove that conclusively. Therefore, this variant has been classified as Likely Pathogenic.

Ambry Genetics
Classification: Likely pathogenic for Hereditary cancer-predisposing syndrome. Last evaluated: 2025-03-03. Review status: criteria provided, single submitter. Criteria: Ambry Variant Classification Scheme 2023. Collection method: clinical testing. Allele origin: germline.
Comment: The p.E748* variant (also known as c.2242G>T), located in coding exon 11 of the BARD1 gene, results from a G to T substitution at nucleotide position 2242. This changes the amino acid from a glutamic acid to a stop codon within coding exon 11. This alteration occurs at the 3' terminus of BARD1 gene, is not expected to trigger nonsense-mediated mRNA decay, and only impacts the last 29 amino acids of the protein. However, premature stop codons are typically deleterious in nature and structural analysis suggests this alteration results in loss of a large part of a well-ordered C-terminal BRCT domain with destabilization of the structure, which could disrupt protein-protein interactions (Birrane G et al. Biochemistry 2007 Jul; 46(26):7706-12; Feki A et al. Oncogene 2005 May; 24(23):3726-36; Edwards RA et al. Biochemistry 2008 Nov; 47(44):11446-56; Rodriguez M et al. J. Biol. Chem. 2003 Dec; 278(52):52914-8; Ambry internal data). Another truncating alteration downstream, p.V767fs*4 (c.2300_2301delTG), was found to be non-functional in a homology-directed DNA repair through functional studies (Adamovich AI et al. PLoS Genet. 2019 03;15:e1008049). This variant is considered to be rare based on population cohorts in the Genome Aggregation Database (gnomAD). Based on the majority of available evidence to date, this variant is likely to be pathogenic.

Baylor Genetics
Classification: Likely pathogenic for Familial cancer of breast. Last evaluated: 2023-08-09. Review status: criteria provided, single submitter. Criteria: ACMG Guidelines, 2015. Collection method: clinical testing. Allele origin: unknown.

Myriad Genetics, Inc.
Classification: Pathogenic for Familial cancer of breast. Last evaluated: 2023-05-25. Review status: criteria provided, single submitter. Criteria: Myriad Autosomal Dominant, Autosomal Recessive and X-Linked Classification Criteria (2023). Collection method: clinical testing. Allele origin: unknown.
Comment: This variant is considered pathogenic. This variant creates a termination codon and is predicted to result in premature protein truncation.

Women's Health and Genetics/Laboratory Corporation of America, LabCorp
Classification: Likely pathogenic for Malignant tumor of breast. Last evaluated: 2022-02-10. Review status: criteria provided, single submitter. Criteria: LabCorp Variant Classification Summary - May 2015. Collection method: clinical testing. Allele origin: germline.
Comment: Variant summary: BARD1 c.2242G>T (p.Glu748X) results in a premature termination codon, predicted to cause a truncation of the encoded protein, which is a commonly known mechanisms for disease. Truncations downstream of this position have been classified as pathogenic/likely pathogenic in ClinVar. The variant is not expected to cause nonsense mediated decay, but is expected to impact translation of the last 29 amino acids, including a portion of the BRCT domain (IPR001357). The variant was absent in 251284 control chromosomes (gnomAD). To our knowledge, no occurrence of c.2242G>T in individuals affected with Breast Cancer and no experimental evidence demonstrating its impact on protein function have been reported. Two ClinVar submitters have assessed the variant since 2014: both classified the variant as likely pathogenic. Based on the evidence outlined above, the variant was classified as likely pathogenic.

Literature cited by the submitters: PubMed 17848578 (cited by Labcorp Genetics (formerly Invitae), Labcorp); PubMed 30925164 (cited by Labcorp Genetics (formerly Invitae), Labcorp).

NM_000465.4(BARD1):c.2242G>T (p.Glu748Ter)

Gene: BARD1 (BRCA1 associated RING domain 1; minus strand). Cytogenetic location: 2q35.
Variant type: single nucleotide variant.
Coding change: c.2242G>T on transcript NM_000465.4 (MANE Select); coding-DNA position 2242, G replaced by T.
Protein change: p.Glu748Ter; replaces glutamic acid 748 with a stop codon.
Molecular consequence: nonsense. On other transcripts: non-coding transcript variant (3).
Genome position (GRCh38, 1-based): chr2:214,728,768, C>A on the plus strand (G>T on the coding strand, the complement: BARD1 is on the minus strand). VCF-style: chr2-214728768-C-A. GRCh37 (hg19) VCF-style: chr2-215593492-C-A.
Other names: c.2185G>T, p.Glu729Ter (NM_001282543.2); c.889G>T, p.Glu297Ter (NM_001282545.2); c.832G>T, p.Glu278Ter (NM_001282548.2); c.703G>T, p.Glu235Ter (NM_001282549.2); short protein forms E297*, E748*, E235*, E729*, E278*.
Identifiers: ClinVar variation 820952 (VCV000820952.21), dbSNP rs879253880, ClinGen allele CA350450017.
Genomic context (GRCh38, chr2:214,728,768, plus strand): 5'-TCACACAGTCTATAAACCAGCTCGAAGGAGCCTTCCAGACTTTGCCCTGCCGAACCCTCT[C>A]TGGGTGATAATTACACAAATCTTCATAGATGATATACTGTGTGCAGAAGCGCTGATCAGA-3'